The following is an entry in ClinVar:

NM_006922.4(SCN3A):c.1498A>G (p.Arg500Gly)

Gene: SCN3A (sodium voltage-gated channel alpha subunit 3; minus strand). Cytogenetic location: 2q24.3.
Variant type: single nucleotide variant.
Coding change: c.1498A>G on transcript NM_006922.4 (MANE Select); coding-DNA position 1498, A replaced by G.
Protein change: p.Arg500Gly; replaces arginine 500 with glycine.
Molecular consequence: missense variant.
Genome position (GRCh38, 1-based): chr2:165,146,912, T>C on the plus strand (A>G on the coding strand, the complement: SCN3A is on the minus strand). VCF-style: chr2-165146912-T-C. GRCh37 (hg19) VCF-style: chr2-166003422-T-C.
Other names: c.1498A>G, p.Arg500Gly (NM_001081676.2, NM_001081677.2); short protein forms R500G.
Identifiers: ClinVar variation 3366091 (VCV003366091.1).

ClinVar aggregate classification (germline): Uncertain significance (1 of 4 stars; one submission).

Submission:

GeneDx
Classification: Uncertain significance. Last evaluated: 2023-10-30. Review status: criteria provided, single submitter. Criteria: GeneDx Variant Classification Process June 2021. Collection method: clinical testing. Allele origin: germline. Affected: yes.
Comment: Not observed at significant frequency in large population cohorts (gnomAD); In silico analysis supports that this missense variant has a deleterious effect on protein structure/function; Has not been previously published as pathogenic or benign to our knowledge